The following is an entry in ClinVar:

NM_000388.4(CASR):c.916G>C (p.Ala306Pro)

Gene: CASR (calcium sensing receptor; plus strand). Cytogenetic location: 3q21.1.
Variant type: single nucleotide variant.
Coding change: c.916G>C on transcript NM_000388.4 (MANE Select); coding-DNA position 916, G replaced by C.
Protein change: p.Ala306Pro; replaces alanine 306 with proline.
Molecular consequence: missense variant.
Genome position (GRCh38, 1-based): chr3:122,261,951, G>C. VCF-style: chr3-122261951-G-C. GRCh37 (hg19) VCF-style: chr3-121980798-G-C.
Other names: c.916G>C (NM_000388.3); c.916G>C, p.Ala306Pro (NM_001178065.2); short protein forms A306P.
Identifiers: ClinVar variation 2954273 (VCV002954273.5), dbSNP rs2074630775, ClinGen allele CA354151627.

ClinVar aggregate classification (germline): Uncertain significance. Review status: criteria provided, multiple submitters, no conflicts (2 of 4 stars). 3 submissions from 3 submitters: Uncertain significance (3). Last evaluated 2025-05-06.

Conditions:
Autosomal dominant hypocalcemia 1 (HYPOC1). Also called: HYPOCALCEMIA, FAMILIAL. Identifiers: MedGen C3715128, MONDO:0011013, OMIM 601198.
Familial hypocalciuric hypercalcemia (FHH). Also called: Familial benign hypercalcemia. Identifiers: Orphanet 405, MedGen C1809471, MONDO:0018458.

gnomAD v4.1: 1 of 1,614,054 alleles (0.000062%); highest among the groups gnomAD compares: Non-Finnish European, 0.000085%; no homozygotes.

Submissions (3):

Women's Health and Genetics/Laboratory Corporation of America, LabCorp
Classification: Uncertain significance. Last evaluated: 2025-05-06. Review status: criteria provided, single submitter. Criteria: LabCorp Variant Classification Summary - May 2015. Collection method: clinical testing. Allele origin: germline.
Comment: Variant summary: CASR c.916G>C (p.Ala306Pro) results in a non-conservative amino acid change located in the Periplasmic binding protein-like I domain (IPR028082) of the encoded protein sequence. Algorithms developed to predict the effect of missense changes on protein structure and function all suggest that this variant is likely to be disruptive. The variant was absent in 251150 control chromosomes. The available data on variant occurrences in the general population are insufficient to allow any conclusion about variant significance. To our knowledge, no occurrence of c.916G>C in individuals affected with Autosomal Dominant Hypocalcemia and no experimental evidence demonstrating its impact on protein function have been reported. ClinVar contains an entry for this variant (Variation ID: 2954273). Based on the evidence outlined above, the variant was classified as uncertain significance.

Athena Diagnostics
Classification: Uncertain significance. Last evaluated: 2025-03-28. Review status: criteria provided, single submitter. Criteria: Athena Diagnostics Criteria. Collection method: clinical testing. Allele origin: unknown.
Comment: Available data are insufficient to determine the clinical significance of the variant at this time. This variant has not been reported in large, multi-ethnic general populations. This variant has been identified in at least one individual with clinical features associated with this gene. Polyphen and MutationTaster predict this amino acid change may be damaging to the protein.

Labcorp Genetics (formerly Invitae), Labcorp
Classification: Uncertain significance for Familial hypocalciuric hypercalcemia; Autosomal dominant hypocalcemia 1. Last evaluated: 2023-12-05. Review status: criteria provided, single submitter. Criteria: Invitae Variant Classification Sherloc (09022015). Collection method: clinical testing. Allele origin: germline.
Comment: This sequence change replaces alanine, which is neutral and non-polar, with proline, which is neutral and non-polar, at codon 306 of the CASR protein (p.Ala306Pro). This variant is not present in population databases (gnomAD no frequency). This variant has not been reported in the literature in individuals affected with CASR-related conditions. An algorithm developed to predict the effect of missense changes on protein structure and function (PolyPhen-2) suggests that this variant is likely to be disruptive. In summary, the available evidence is currently insufficient to determine the role of this variant in disease. Therefore, it has been classified as a Variant of Uncertain Significance.